The following is an entry in ClinVar:

ClinVar aggregate classification (germline): Uncertain significance (1 of 4 stars; one submission).

Conditions:
Cardiovascular phenotype. Identifiers: MedGen CN230736.

Submissions (2):

Ambry Genetics
Classification: Uncertain significance for Cardiovascular phenotype. Last evaluated: 2023-10-05. Review status: criteria provided, single submitter. Criteria: Ambry Variant Classification Scheme 2023. Collection method: clinical testing. Allele origin: germline.
Comment: The p.V47D variant (also known as c.140T>A), located in coding exon 1 of the KCNE1 gene, results from a T to A substitution at nucleotide position 140. The valine at codon 47 is replaced by aspartic acid, an amino acid with highly dissimilar properties. This amino acid position is conserved. In addition, this alteration is predicted to be deleterious by in silico analysis. Since supporting evidence is limited at this time, the clinical significance of this alteration remains unclear.

Roden Lab, Vanderbilt University Medical Center
No classification provided (evidence only). Condition: Long QT syndrome 5. Review status: no classification provided. Collection method: in vitro. Allele origin: not applicable. Functional consequence: Effect on ion channel function. Not counted in ClinVar's aggregate classification.
ClinVar note: "not provided" was previously submitted as the classification for the variant. However, the classification appeared to be based only on an observation of functional data so it was converted to no classification on 2025-07-30.

NM_000219.6(KCNE1):c.140T>A (p.Val47Asp)

Gene: KCNE1 (potassium voltage-gated channel subfamily E regulatory subunit 1; minus strand). Cytogenetic location: 21q22.12.
Variant type: single nucleotide variant.
Coding change: c.140T>A on transcript NM_000219.6 (MANE Select); coding-DNA position 140, T replaced by A.
Protein change: p.Val47Asp; replaces valine 47 with aspartic acid.
Molecular consequence: missense variant.
Genome position (GRCh38, 1-based): chr21:34,449,495, A>T on the plus strand (T>A on the coding strand, the complement: KCNE1 is on the minus strand). VCF-style: chr21-34449495-A-T. GRCh37 (hg19) VCF-style: chr21-35821793-A-T.
Other names: c.140T>A, p.Val47Asp (NM_001127668.4, NM_001127669.4, NM_001127670.4 and 4 more transcripts); short protein forms V47D.
Identifiers: ClinVar variation 3230641 (VCV003230641.3), dbSNP rs2516764256, ClinGen allele CA410198404.